The following is an entry in ClinVar:

NM_006206.6(PDGFRA):c.1148G>A (p.Arg383His)

Gene: PDGFRA (platelet derived growth factor receptor alpha; plus strand). Cytogenetic location: 4q12.
Variant type: single nucleotide variant.
Coding change: c.1148G>A on transcript NM_006206.6 (MANE Select); coding-DNA position 1148, G replaced by A.
Protein change: p.Arg383His; replaces arginine 383 with histidine.
Molecular consequence: missense variant.
Genome position (GRCh38, 1-based): chr4:54,270,659, G>A. VCF-style: chr4-54270659-G-A. GRCh37 (hg19) VCF-style: chr4-55136826-G-A.
Other names: c.1148G>A, p.Arg383His (NM_001347827.2, NM_001347829.2); c.1223G>A, p.Arg408His (NM_001347828.2); c.1187G>A, p.Arg396His (NM_001347830.2); short protein forms R383H, R396H, R408H.
Identifiers: ClinVar variation 572670 (VCV000572670.9), dbSNP rs1368411882, ClinGen allele CA356891920.

ClinVar aggregate classification (germline): Uncertain significance. Review status: criteria provided, multiple submitters, no conflicts (2 of 4 stars). 2 submissions from 2 submitters: Uncertain significance (2). Last evaluated 2025-04-13.

Conditions:
Hereditary cancer-predisposing syndrome. Also called: Hereditary Cancer Syndrome; Tumor predisposition; Neoplastic Syndromes, Hereditary; Hereditary neoplastic syndrome. Identifiers: Orphanet 140162, MedGen C0027672, MeSH D009386, MONDO:0015356.
Gastrointestinal stromal tumor. Also called: Gastrointestinal stromal tumor, somatic; Gastrointestinal stroma tumor. Identifiers: Orphanet 44890, MedGen C0238198, MeSH D046152, MONDO:0011719, OMIM 606764, HP:0100723.

Allele frequency attached by ClinVar (database versions not stated): gnomAD exomes below 0.00001 and 0.00001; gnomAD 0.00001.
gnomAD v4.1: 11 of 1,610,288 alleles (0.00068%); highest among the groups gnomAD compares: Admixed American, 0.005%; no homozygotes.

Submissions (2):

Ambry Genetics
Classification: Uncertain significance for Hereditary cancer-predisposing syndrome. Last evaluated: 2025-04-13. Review status: criteria provided, single submitter. Criteria: Ambry Variant Classification Scheme 2023. Collection method: clinical testing. Allele origin: germline.
Comment: The p.R383H variant (also known as c.1148G>A), located in coding exon 7 of the PDGFRA gene, results from a G to A substitution at nucleotide position 1148. The arginine at codon 383 is replaced by histidine, an amino acid with highly similar properties. This amino acid position is highly conserved in available vertebrate species. In addition, the in silico prediction for this alteration is inconclusive. Based on the available evidence, the clinical significance of this variant remains unclear.

Labcorp Genetics (formerly Invitae), Labcorp
Classification: Uncertain significance for Gastrointestinal stromal tumor. Last evaluated: 2024-08-15. Review status: criteria provided, single submitter. Criteria: Invitae Variant Classification Sherloc (09022015). Collection method: clinical testing. Allele origin: germline.
Comment: This sequence change replaces arginine, which is basic and polar, with histidine, which is basic and polar, at codon 383 of the PDGFRA protein (p.Arg383His). This variant is present in population databases (no rsID available, gnomAD 0.003%). This variant has not been reported in the literature in individuals affected with PDGFRA-related conditions. ClinVar contains an entry for this variant (Variation ID: 572670). Invitae Evidence Modeling of protein sequence and biophysical properties (such as structural, functional, and spatial information, amino acid conservation, physicochemical variation, residue mobility, and thermodynamic stability) has been performed for this missense variant. However, the output from this modeling did not meet the statistical confidence thresholds required to predict the impact of this variant on PDGFRA protein function. In summary, the available evidence is currently insufficient to determine the role of this variant in disease. Therefore, it has been classified as a Variant of Uncertain Significance.